The following is an entry in ClinVar:

NM_007348.4(ATF6):c.1957C>T (p.Pro653Ser)

Gene: ATF6 (activating transcription factor 6; plus strand). Cytogenetic location: 1q23.3.
Variant type: single nucleotide variant.
Coding change: c.1957C>T on transcript NM_007348.4 (MANE Select); coding-DNA position 1957, C replaced by T.
Protein change: p.Pro653Ser; replaces proline 653 with serine.
Molecular consequence: missense variant.
Genome position (GRCh38, 1-based): chr1:161,958,598, C>T. VCF-style: chr1-161958598-C-T. GRCh37 (hg19) VCF-style: chr1-161928388-C-T.
Other names: c.1954C>T, p.Pro652Ser (NM_001410890.1); short protein forms P652S, P653S.
Identifiers: ClinVar variation 1934421 (VCV001934421.4), dbSNP rs955266941, ClinGen allele CA31723559.

ClinVar aggregate classification (germline): Uncertain significance (1 of 4 stars; one submission).

Allele frequency attached by ClinVar (database versions not stated): gnomAD exomes 0.00001; gnomAD 0.00002; TOPMed 0.00002.
gnomAD v4.1: 19 of 1,613,866 alleles (0.0012%); highest among the groups gnomAD compares: Admixed American, 0.0017%; no homozygotes.

Submission:

Labcorp Genetics (formerly Invitae), Labcorp
Classification: Uncertain significance. Last evaluated: 2025-12-01. Review status: criteria provided, single submitter. Criteria: Invitae Variant Classification Sherloc (09022015). Collection method: clinical testing. Allele origin: germline.
Comment: This sequence change replaces proline, which is neutral and non-polar, with serine, which is neutral and polar, at codon 653 of the ATF6 protein (p.Pro653Ser). This variant is present in population databases (no rsID available, gnomAD 0.0009%). This variant has not been reported in the literature in individuals affected with ATF6-related conditions. ClinVar contains an entry for this variant (Variation ID: 1934421). Invitae Evidence Modeling of protein sequence and biophysical properties (such as structural, functional, and spatial information, amino acid conservation, physicochemical variation, residue mobility, and thermodynamic stability) indicates that this missense variant is not expected to disrupt ATF6 protein function with a negative predictive value of 80%. In summary, the available evidence is currently insufficient to determine the role of this variant in disease. Therefore, it has been classified as a Variant of Uncertain Significance.